The following is an entry in ClinVar:

ClinVar aggregate classification (germline): Uncertain significance (1 of 4 stars; one submission).

Conditions:
Dilated cardiomyopathy 1W (CMD1W). Identifiers: Orphanet 154, MedGen C1969639, MONDO:0012667, OMIM 611407.

Submission:

Labcorp Genetics (formerly Invitae), Labcorp
Classification: Uncertain significance for Dilated cardiomyopathy 1W. Last evaluated: 2023-03-08. Review status: criteria provided, single submitter. Criteria: Invitae Variant Classification Sherloc (09022015). Collection method: clinical testing. Allele origin: germline.
Comment: This sequence change replaces methionine, which is neutral and non-polar, with isoleucine, which is neutral and non-polar, at codon 237 of the VCL protein (p.Met237Ile). This variant is not present in population databases (gnomAD no frequency). This variant has not been reported in the literature in individuals affected with VCL-related conditions. An algorithm developed to predict the effect of missense changes on protein structure and function (PolyPhen-2) suggests that this variant is likely to be disruptive. In summary, the available evidence is currently insufficient to determine the role of this variant in disease. Therefore, it has been classified as a Variant of Uncertain Significance.

NM_014000.3(VCL):c.711G>A (p.Met237Ile)

Gene: VCL (vinculin; plus strand). Cytogenetic location: 10q22.2.
Variant type: single nucleotide variant.
Coding change: c.711G>A on transcript NM_014000.3 (MANE Select); coding-DNA position 711, G replaced by A.
Protein change: p.Met237Ile; replaces methionine 237 with isoleucine.
Molecular consequence: missense variant.
Genome position (GRCh38, 1-based): chr10:74,074,831, G>A. VCF-style: chr10-74074831-G-A. GRCh37 (hg19) VCF-style: chr10-75834589-G-A.
Other names: c.711G>A, p.Met237Ile (NM_003373.4); short protein forms M237I.
Identifiers: ClinVar variation 2885761 (VCV002885761.3), dbSNP rs61731175, ClinGen allele CA209694095.